The following is an entry in ClinVar:

ClinVar aggregate classification (germline): Uncertain significance (1 of 4 stars; one submission).

Conditions:
Candidiasis, familial, 8 (CANDF8). Identifiers: Orphanet 1334, MedGen C3714992, MONDO:0014230, OMIM 615527.

Submission:

Labcorp Genetics (formerly Invitae), Labcorp
Classification: Uncertain significance for Candidiasis, familial, 8. Last evaluated: 2023-12-11. Review status: criteria provided, single submitter. Criteria: Invitae Variant Classification Sherloc (09022015). Collection method: clinical testing. Allele origin: germline.
Comment: This sequence change replaces proline, which is neutral and non-polar, with serine, which is neutral and polar, at codon 533 of the TRAF3IP2 protein (p.Pro533Ser). This variant is not present in population databases (gnomAD no frequency). This variant has not been reported in the literature in individuals affected with TRAF3IP2-related conditions. ClinVar contains an entry for this variant (Variation ID: 1896854). Advanced modeling of protein sequence and biophysical properties (such as structural, functional, and spatial information, amino acid conservation, physicochemical variation, residue mobility, and thermodynamic stability) performed at Invitae indicates that this missense variant is not expected to disrupt TRAF3IP2 protein function with a negative predictive value of 80%. In summary, the available evidence is currently insufficient to determine the role of this variant in disease. Therefore, it has been classified as a Variant of Uncertain Significance.

NM_147686.4(TRAF3IP2):c.1597C>T (p.Pro533Ser)

Genes: TRAF3IP2 (TRAF3 interacting protein 2; minus strand), TRAF3IP2-AS1 (TRAF3IP2 antisense RNA 1; plus strand). Cytogenetic location: 6q21.
Variant type: single nucleotide variant.
Coding change: c.1597C>T on transcript NM_147686.4 (MANE Select); coding-DNA position 1597, C replaced by T.
Protein change: p.Pro533Ser; replaces proline 533 with serine.
Molecular consequence: missense variant.
Genome position (GRCh38, 1-based): chr6:111,559,506, G>A on the plus strand (C>T on the coding strand, the complement: TRAF3IP2 is on the minus strand). VCF-style: chr6-111559506-G-A. GRCh37 (hg19) VCF-style: chr6-111880709-G-A.
Other names: c.1594C>T, p.Pro532Ser (NM_001164281.3); c.229C>T, p.Pro77Ser (NM_001164283.3); c.1624C>T, p.Pro542Ser (NM_147200.3); short protein forms P542S, P532S, P77S, P533S.
Identifiers: ClinVar variation 1896854 (VCV001896854.5), dbSNP rs2536087647, ClinGen allele CA365367222.
Genomic context (GRCh38, chr6:111,559,506, plus strand): 5'-GAGGAGCCACATACTCTTCCTCTCTCAGCAGCCGCAGCAGGATGTTTTTTTTATTCTTGG[G>A]CCAGCTGTAGACATGAGTGTTCTGAAGCCAGGTGGGCACATGCTCCTATGGGAGGCAGAA-3'
Protein context (NP_679211.2, residues 523-543): WLQNTHVYSW[Pro533Ser]KNKKNILLRL